The following is an entry in ClinVar:

ClinVar aggregate classification (germline): Conflicting classifications of pathogenicity. Review status: criteria provided, conflicting classifications (1 of 4 stars). 3 submissions from 3 submitters: Uncertain significance (1); Likely benign (2). Last evaluated 2025-09-23.

Allele frequency attached by ClinVar (database versions not stated): TOPMed 0.00006; gnomAD exomes 0.00008 and 0.00016; gnomAD 0.00011 and 0.00012; 1000 Genomes Project 30x 0.00047; ExAC 0.00085.
gnomAD v4.1: 112 of 1,425,796 alleles (0.0079%); highest among the groups gnomAD compares: Middle Eastern, 0.025%; no homozygotes.

Submissions (3):

Labcorp Genetics (formerly Invitae), Labcorp
Classification: Uncertain significance. Last evaluated: 2025-09-23. Review status: criteria provided, single submitter. Criteria: Invitae Variant Classification Sherloc (09022015). Collection method: clinical testing. Allele origin: germline.
Comment: This sequence change replaces serine, which is neutral and polar, with phenylalanine, which is neutral and non-polar, at codon 12 of the RASA2 protein (p.Ser12Phe). This variant is present in population databases (rs781067370, gnomAD 0.03%). This variant has not been reported in the literature in individuals affected with RASA2-related conditions. ClinVar contains an entry for this variant (Variation ID: 1492892). Experimental studies and prediction algorithms are not available or were not evaluated, and the functional significance of this variant is currently unknown. In summary, the available evidence is currently insufficient to determine the role of this variant in disease. Therefore, it has been classified as a Variant of Uncertain Significance.

Blueprint Genetics
Classification: Likely benign. Last evaluated: 2024-06-13. Review status: criteria provided, single submitter. Criteria: ACMG Guidelines, 2015. Collection method: clinical testing. Allele origin: germline.

Ambry Genetics
Classification: Likely benign. Last evaluated: 2024-01-30. Review status: criteria provided, single submitter. Criteria: Ambry Variant Classification Scheme 2023. Collection method: clinical testing. Allele origin: germline.

NM_006506.5(RASA2):c.35C>T (p.Ser12Phe)

Genes: RASA2 (RAS p21 protein activator 2; plus strand), LOC129937686 (ATAC-STARR-seq lymphoblastoid silent region 14777; plus strand). Cytogenetic location: 3q23.
Variant type: single nucleotide variant.
Coding change: c.35C>T on transcript NM_006506.5 (MANE Select); coding-DNA position 35, C replaced by T.
Protein change: p.Ser12Phe; replaces serine 12 with phenylalanine.
Molecular consequence: missense variant.
Genome position (GRCh38, 1-based): chr3:141,487,118, C>T. VCF-style: chr3-141487118-C-T. GRCh37 (hg19) VCF-style: chr3-141205960-C-T.
Other names: c.35C>T, p.Ser12Phe (NM_001303245.3, NM_001303246.3); c.35C>T (NM_006506.2); short protein forms S12F.
Identifiers: ClinVar variation 1492892 (VCV001492892.9), dbSNP rs781067370, ClinGen allele CA2645074.